The following is an entry in ClinVar:

NM_004260.4(RECQL4):c.661A>T (p.Ile221Phe)

Gene: RECQL4 (RecQ like helicase 4; minus strand). Cytogenetic location: 8q24.3.
Variant type: single nucleotide variant.
Coding change: c.661A>T on transcript NM_004260.4 (MANE Select); coding-DNA position 661, A replaced by T.
Protein change: p.Ile221Phe; replaces isoleucine 221 with phenylalanine.
Molecular consequence: missense variant.
Genome position (GRCh38, 1-based): chr8:144,516,458, T>A on the plus strand (A>T on the coding strand, the complement: RECQL4 is on the minus strand). VCF-style: chr8-144516458-T-A. GRCh37 (hg19) VCF-style: chr8-145741842-T-A.
Other names: c.661A>T, p.Ile221Phe (NM_001413017.1, NM_001413018.1, NM_001413019.1 and 4 more transcripts); c.-411A>T (NM_001413022.1, NM_001413023.1, NM_001413024.1 and 5 more transcripts); c.532A>T, p.Ile178Phe (NM_001413025.1); c.-473A>T (NM_001413027.1, NM_001413030.1, NM_001413031.1 and 2 more transcripts); c.-315A>T (NM_001413034.1); c.-680A>T (NM_001413043.1); short protein forms I178F, I221F.
Identifiers: ClinVar variation 1959755 (VCV001959755.5), dbSNP rs2130724810, ClinGen allele CA372689840.
Genomic context (GRCh38, chr8:144,516,458, plus strand): 5'-CTGAAGCCTCTGGGCCCTGGGAGCCAGCACCAGGACCAAGGACAGCCGACTCACCAGGGA[T>A]CAGAAGTTGTGATTCCTCTGAGCCTAGATCAGGCCTGCAGGCTTTGGGGGCCCCCAGAAA-3'
Protein context (NP_004251.4, residues 211-231): DLGSEESQLL[Ile221Phe]PGESAVLGPG

ClinVar aggregate classification (germline): Uncertain significance (1 of 4 stars; one submission).

Conditions:
Baller-Gerold syndrome (BGS). Also called: CRANIOSYNOSTOSIS WITH RADIAL DEFECTS. Identifiers: Orphanet 1225, MedGen C0265308, MONDO:0009039, OMIM 218600.

Submission:

Labcorp Genetics (formerly Invitae), Labcorp
Classification: Uncertain significance for Baller-Gerold syndrome. Last evaluated: 2022-02-24. Review status: criteria provided, single submitter. Criteria: Invitae Variant Classification Sherloc (09022015). Collection method: clinical testing. Allele origin: germline.
Comment: This sequence change replaces isoleucine, which is neutral and non-polar, with phenylalanine, which is neutral and non-polar, at codon 221 of the RECQL4 protein (p.Ile221Phe). This variant has not been reported in the literature in individuals affected with RECQL4-related conditions. In summary, the available evidence is currently insufficient to determine the role of this variant in disease. Therefore, it has been classified as a Variant of Uncertain Significance. Experimental studies and prediction algorithms are not available or were not evaluated, and the functional significance of this variant is currently unknown. This variant is not present in population databases (gnomAD no frequency).